The following is an entry in ClinVar:

NM_001401501.2(MUC16):c.8792C>T (p.Thr2931Ile)

Gene: MUC16 (mucin 16, cell surface associated; minus strand). Cytogenetic location: 19p13.2.
Variant type: single nucleotide variant.
Coding change: c.8792C>T on transcript NM_001401501.2 (MANE Select); coding-DNA position 8792, C replaced by T.
Protein change: p.Thr2931Ile; replaces threonine 2931 with isoleucine.
Molecular consequence: missense variant.
Genome position (GRCh38, 1-based): chr19:8,972,467, G>A on the plus strand (C>T on the coding strand, the complement: MUC16 is on the minus strand). VCF-style: chr19-8972467-G-A. GRCh37 (hg19) VCF-style: chr19-9083143-G-A.
Other names: c.9218C>T, p.Thr3073Ile (NM_001414686.1); c.8672C>T, p.Thr2891Ile (NM_001414687.1, NM_024690.2); short protein forms T2891I, T2931I, T3073I.
Identifiers: ClinVar variation 3058906 (VCV003058906.2), dbSNP rs7245949, ClinGen allele CA9171921.

ClinVar aggregate classification (germline): Benign (0 of 4 stars; one submission).

Conditions:
MUC16-related disorder. Also called: MUC16-related condition.

Allele frequency attached by ClinVar (database versions not stated): 1000 Genomes Project 0.22644; 1000 Genomes Project 30x 0.23204; TOPMed 0.29095; ExAC 0.29331; gnomAD 0.29437; ESP Exome Variant Server 0.30969; gnomAD exomes 0.31202.

Submission:

PreventionGenetics, part of Exact Sciences
Classification: Benign for MUC16-related condition. Last evaluated: 2019-10-18. Review status: no assertion criteria provided. Collection method: clinical testing. Allele origin: germline.
Comment: This variant is classified as benign based on ACMG/AMP sequence variant interpretation guidelines (Richards et al. 2015 PMID: 25741868, with internal and published modifications).